The following is an entry in ClinVar:

ClinVar aggregate classification (germline): Likely benign. Review status: criteria provided, single submitter (1 of 4 stars). 2 submissions from 2 submitters: Likely benign (1). 1 of the submissions does not count toward it. Last evaluated 2025-02-16.

Conditions:
MYCBP2-related disorder. Also called: MYCBP2-related condition.

Allele frequency attached by ClinVar (database versions not stated): ExAC 0.00001.
gnomAD v4.1: 49 of 1,612,318 alleles (0.003%); highest among the groups gnomAD compares: East Asian, 0.016%; no homozygotes.

Submissions (2):

Laboratory of Genetics, Children's Clinical University Hospital Latvia
Classification: Likely benign. Last evaluated: 2025-02-16. Review status: criteria provided, single submitter. Criteria: ACMG Guidelines, 2015. Collection method: clinical testing. Allele origin: germline. Affected: yes.

PreventionGenetics, part of Exact Sciences
Classification: Likely benign for MYCBP2-related condition. Last evaluated: 2019-03-18. Review status: no assertion criteria provided. Collection method: clinical testing. Allele origin: germline. Not counted in ClinVar's aggregate classification.
Comment: This variant is classified as likely benign based on ACMG/AMP sequence variant interpretation guidelines (Richards et al. 2015 PMID: 25741868, with internal and published modifications).

NM_015057.5(MYCBP2):c.4942-5C>T

Gene: MYCBP2 (MYC binding protein 2; minus strand). Cytogenetic location: 13q22.3.
Variant type: single nucleotide variant.
Coding change: c.4942-5C>T on transcript NM_015057.5 (MANE Select); 5 bases into the intron before coding-DNA position 4942, C replaced by T.
Molecular consequence: intron variant.
Genome position (GRCh38, 1-based): chr13:77,180,323, G>A on the plus strand (C>T on the coding strand, the complement: MYCBP2 is on the minus strand). VCF-style: chr13-77180323-G-A. GRCh37 (hg19) VCF-style: chr13-77754458-G-A.
Identifiers: ClinVar variation 3051123 (VCV003051123.3), dbSNP rs770735207, ClinGen allele CA7009599.
Genomic context (GRCh38, chr13:77,180,323, plus strand): 5'-AGCATTTTCTCCAGAACTTCACGGAAGCTTGTCATCCCTGAGATATTCTCTTCACTCTGC[G>A]ATACATAAGAAAAAGTTCTAAGGTATTGTTTTATTTTCCTTCATAGGAGTACTCAATTTG-3'